The following is an entry in ClinVar:

ClinVar aggregate classification (germline): Uncertain significance. Review status: criteria provided, multiple submitters, no conflicts (2 of 4 stars). 2 submissions from 2 submitters: Uncertain significance (2). Last evaluated 2025-07-09.

Conditions:
Gamma-glutamylcysteine synthetase deficiency (CNSHA7). Also called: ANEMIA, CONGENITAL, NONSPHEROCYTIC HEMOLYTIC, 7. Identifiers: Orphanet 33574, MedGen C1856603, MONDO:0009259, OMIM 230450.

Allele frequency attached by ClinVar (database versions not stated): gnomAD exomes 0.00005; ExAC 0.00011; TOPMed 0.00029; 1000 Genomes Project 30x 0.00031; gnomAD 0.00032; ESP Exome Variant Server 0.00038; 1000 Genomes Project 0.00040.

Submissions (2):

Labcorp Genetics (formerly Invitae), Labcorp
Classification: Uncertain significance. Last evaluated: 2025-07-09. Review status: criteria provided, single submitter. Criteria: Invitae Variant Classification Sherloc (09022015). Collection method: clinical testing. Allele origin: germline.
Comment: This sequence change replaces alanine, which is neutral and non-polar, with threonine, which is neutral and polar, at codon 511 of the GCLC protein (p.Ala511Thr). This variant is present in population databases (rs138610033, gnomAD 0.1%). This variant has not been reported in the literature in individuals affected with GCLC-related conditions. ClinVar contains an entry for this variant (Variation ID: 2069479). An algorithm developed to predict the effect of missense changes on protein structure and function outputs the following: PolyPhen-2: "Benign". The threonine amino acid residue is found in multiple mammalian species, which suggests that this missense change does not adversely affect protein function. In summary, the available evidence is currently insufficient to determine the role of this variant in disease. Therefore, it has been classified as a Variant of Uncertain Significance.

Revvity Omics, Revvity
Classification: Uncertain significance for Gamma-glutamylcysteine synthetase deficiency. Last evaluated: 2023-12-19. Review status: criteria provided, single submitter. Criteria: ACMG Guidelines, 2015. Collection method: clinical testing. Allele origin: germline.

NM_001498.4(GCLC):c.1531G>A (p.Ala511Thr)

Genes: GCLC (glutamate-cysteine ligase catalytic subunit; minus strand), GCLC-AS1 (GCLC antisense RNA 1; plus strand). Cytogenetic location: 6p12.1.
Variant type: single nucleotide variant.
Coding change: c.1531G>A on transcript NM_001498.4 (MANE Select); coding-DNA position 1531, G replaced by A.
Protein change: p.Ala511Thr; replaces alanine 511 with threonine.
Molecular consequence: missense variant.
Genome position (GRCh38, 1-based): chr6:53,500,297, C>T on the plus strand (G>A on the coding strand, the complement: GCLC is on the minus strand). VCF-style: chr6-53500297-C-T. GRCh37 (hg19) VCF-style: chr6-53365095-C-T.
Other names: c.1417G>A, p.Ala473Thr (NM_001197115.2); short protein forms A511T, A473T.
Identifiers: ClinVar variation 2069479 (VCV002069479.7), dbSNP rs138610033, ClinGen allele CA3860037.
Genomic context (GRCh38, chr6:53,500,297, plus strand): 5'-ACCCTCCTACCTTCCCATTGATGATGGTGTCTATGCTCATGAGGGTGTACTCCTCTGCAG[C>T]GAGCTCCGTGCTGTTCTGGGCCTTGCCACAACCATCCACCACTGCATTGCCACCTGCCGG-3'
Protein context (NP_001489.1, residues 501-521): CGKAQNSTEL[Ala511Thr]AEEYTLMSID